The following is an entry in ClinVar:

ClinVar aggregate classification (germline): Likely benign (0 of 4 stars; one submission).

Conditions:
PLXNA4-related disorder. Also called: PLXNA4-related condition.

gnomAD v4.1: 19 of 1,614,026 alleles (0.0012%); highest among the groups gnomAD compares: Non-Finnish European, 0.0016%; no homozygotes.

Submission:

PreventionGenetics, part of Exact Sciences
Classification: Likely benign for PLXNA4-related condition. Last evaluated: 2022-04-11. Review status: no assertion criteria provided. Collection method: clinical testing. Allele origin: germline.
Comment: This variant is classified as likely benign based on ACMG/AMP sequence variant interpretation guidelines (Richards et al. 2015 PMID: 25741868, with internal and published modifications).

NM_020911.2(PLXNA4):c.5595T>C (p.Leu1865=)

Gene: PLXNA4 (plexin A4; minus strand). Cytogenetic location: 7q32.3.
Variant type: single nucleotide variant.
Coding change: c.5595T>C on transcript NM_020911.2 (MANE Select); coding-DNA position 5595, T replaced by C.
Protein change: p.Leu1865=; no amino-acid change (leucine 1865 retained).
Molecular consequence: synonymous variant.
Genome position (GRCh38, 1-based): chr7:132,130,569, A>G on the plus strand (T>C on the coding strand, the complement: PLXNA4 is on the minus strand). VCF-style: chr7-132130569-A-G. GRCh37 (hg19) VCF-style: chr7-131815328-A-G.
Other names: c.5595T>C, p.Leu1865= (NM_001393897.1).
Identifiers: ClinVar variation 3354704 (VCV003354704.1).